The following is an entry in ClinVar:

NM_001201550.3(CFHR4):c.795C>T (p.Cys265=)

Gene: CFHR4 (complement factor H related 4; plus strand). Cytogenetic location: 1q31.3.
Variant type: single nucleotide variant.
Coding change: c.795C>T on transcript NM_001201550.3 (MANE Select); coding-DNA position 795, C replaced by T.
Protein change: p.Cys265=; no amino-acid change (cysteine 265 retained).
Molecular consequence: synonymous variant. On other transcripts: intron variant (1).
Genome position (GRCh38, 1-based): chr1:196,907,494, C>T. VCF-style: chr1-196907494-C-T. GRCh37 (hg19) VCF-style: chr1-196876624-C-T.
Other names: p.Cys264=; c.792C>T, p.Cys264= (NM_001201551.2); c.256+4879C>T (NM_006684.5).
Identifiers: ClinVar variation 4683985 (VCV004683985.1).

ClinVar aggregate classification (germline): Likely benign (1 of 4 stars; one submission).

gnomAD v4.1: 569 of 1,606,262 alleles (0.035%); highest among the groups gnomAD compares: African/African-American, 0.68%; 23 homozygotes.

Submission:

Mayo Clinic Laboratories, Mayo Clinic
Classification: Likely benign. Last evaluated: 2024-12-17. Review status: criteria provided, single submitter. Criteria: ACMG Guidelines, 2015. Collection method: clinical testing. Allele origin: germline. Observed: 11 variant alleles.
Comment: BP4, BP7